The following is an entry in ClinVar:

ClinVar aggregate classification (germline): Uncertain significance. Review status: criteria provided, multiple submitters, no conflicts (2 of 4 stars). 3 submissions from 3 submitters: Uncertain significance (2). 1 of the submissions does not count toward it. Last evaluated 2021-09-01.

Conditions:
Neuronal ceroid lipofuscinosis. Also called: Neuronal Ceroid Lipofuscinoses. Identifiers: Orphanet 216, Orphanet 79263, MedGen C0027877, MONDO:0016295. Disease mechanism: loss of function.
Neuronal ceroid lipofuscinosis 8 (CLN8). Also called: CLN8-Related Neuronal Ceroid-Lipofuscinosis. Identifiers: Orphanet 168491, Orphanet 228354, Orphanet 79264, MedGen C1838570, MONDO:0010830, OMIM 600143.

Allele frequency attached by ClinVar (database versions not stated): TOPMed 0.00002; gnomAD 0.00003; 1000 Genomes Project 30x 0.00016.
gnomAD v4.1: 11 of 1,614,070 alleles (0.00068%); highest among the groups gnomAD compares: East Asian, 0.018%; no homozygotes.

Submissions (3):

Labcorp Genetics (formerly Invitae), Labcorp
Classification: Uncertain significance for Neuronal ceroid lipofuscinosis. Last evaluated: 2021-09-01. Review status: criteria provided, single submitter. Criteria: Invitae Variant Classification Sherloc (09022015). Collection method: clinical testing. Allele origin: germline.
Comment: This sequence change replaces phenylalanine with leucine at codon 32 of the CLN8 protein (p.Phe32Leu). The phenylalanine residue is highly conserved and there is a small physicochemical difference between phenylalanine and leucine. This variant is present in population databases (rs758068226, ExAC 0.01%). This variant has not been reported in the literature in individuals affected with CLN8-related conditions. ClinVar contains an entry for this variant (Variation ID: 241290). Algorithms developed to predict the effect of missense changes on protein structure and function are either unavailable or do not agree on the potential impact of this missense change (SIFT: "Deleterious"; PolyPhen-2: "Benign"; Align-GVGD: "Class C0"). In summary, the available evidence is currently insufficient to determine the role of this variant in disease. Therefore, it has been classified as a Variant of Uncertain Significance.

GeneDx
Classification: Uncertain significance. Last evaluated: 2019-08-29. Review status: criteria provided, single submitter. Criteria: GeneDx Variant Classification Process June 2021. Collection method: clinical testing. Allele origin: germline. Affected: yes.
Comment: In silico analysis, which includes protein predictors and evolutionary conservation, supports a deleterious effect; Has not been previously published as pathogenic or benign to our knowledge

Natera, Inc.
Classification: Uncertain significance for Neuronal ceroid lipofuscinosis 8. Last evaluated: 2020-09-02. Review status: no assertion criteria provided. Collection method: clinical testing. Allele origin: germline. Not counted in ClinVar's aggregate classification.

NM_018941.4(CLN8):c.94T>C (p.Phe32Leu)

Gene: CLN8 (CLN8 transmembrane ER and ERGIC protein; plus strand). Cytogenetic location: 8p23.3.
Variant type: single nucleotide variant.
Coding change: c.94T>C on transcript NM_018941.4 (MANE Select); coding-DNA position 94, T replaced by C.
Protein change: p.Phe32Leu; replaces phenylalanine 32 with leucine.
Molecular consequence: missense variant.
Genome position (GRCh38, 1-based): chr8:1,771,148, T>C. VCF-style: chr8-1771148-T-C. GRCh37 (hg19) VCF-style: chr8-1719314-T-C.
Other names: short protein forms F32L.
Identifiers: ClinVar variation 241290 (VCV000241290.5), dbSNP rs758068226, ClinGen allele CA4599197.
Genomic context (GRCh38, chr8:1,771,148, plus strand): 5'-AGCATTTTTGACCTGGACTATGCATCCTGGGGGATCCGCTCCACGCTGATGGTCGCTGGC[T>C]TTGTCTTCTACTTGGGCGTCTTTGTGGTCTGCCACCAGCTGTCCTCTTCCCTGAATGCCA-3'
Protein context (NP_061764.2, residues 22-42): GIRSTLMVAG[Phe32Leu]VFYLGVFVVC